The following is an entry in ClinVar:

NM_001148.6(ANK2):c.3085C>T (p.Arg1029Cys)

Gene: ANK2 (ankyrin 2; plus strand). Cytogenetic location: 4q26.
Variant type: single nucleotide variant.
Coding change: c.3085C>T on transcript NM_001148.6 (MANE Select); coding-DNA position 3085, C replaced by T.
Protein change: p.Arg1029Cys; replaces arginine 1029 with cysteine.
Molecular consequence: missense variant.
Genome position (GRCh38, 1-based): chr4:113,330,430, C>T. VCF-style: chr4-113330430-C-T. GRCh37 (hg19) VCF-style: chr4-114251586-C-T.
Other names: p.R1029C:CGC>TGC; c.3058C>T, p.Arg1020Cys (NM_001127493.3); c.3097C>T, p.Arg1033Cys (NM_001354225.2); c.3085C>T, p.Arg1029Cys (NM_001354228.2, NM_001354258.2, NM_020977.5); c.3163C>T, p.Arg1055Cys (NM_001354230.2, NM_001354237.2); c.3127C>T, p.Arg1043Cys (NM_001354231.2, NM_001354242.2); c.3121C>T, p.Arg1041Cys (NM_001354232.2); c.3082C>T, p.Arg1028Cys (NM_001354235.2, NM_001354236.2, NM_001354246.2 and 1 more transcripts); and 24 more; short protein forms R1020C, R1029C, R1000C, R1043C, R238C, R962C, R975C, R996C.
Identifiers: ClinVar variation 190564 (VCV000190564.9), dbSNP rs773701459, ClinGen allele CA300878.

ClinVar aggregate classification (germline): Uncertain significance. Review status: criteria provided, multiple submitters, no conflicts (2 of 4 stars). 4 submissions from 4 submitters: Uncertain significance (4). Last evaluated 2025-12-31.

Conditions:
Cardiovascular phenotype. Identifiers: MedGen CN230736.
Long QT syndrome (LQTS). Identifiers: MedGen C0023976, MeSH D008133, MONDO:0002442. Disease mechanism: loss of function. Inheritance: Various modes of inheritance.
Cardiac arrhythmia, ankyrin-B-related. Also called: ANKYRIN-B SYNDROME. Identifiers: Orphanet 101016, Orphanet 768, MedGen C1970119, MONDO:0010958, OMIM 600919.

Allele frequency attached by ClinVar (database versions not stated): ExAC 0.00001; gnomAD exomes 0.00001; gnomAD 0.00002; TOPMed 0.00002.
gnomAD v4.1: 18 of 1,614,052 alleles (0.0011%); highest among the groups gnomAD compares: African/African-American, 0.0027%; no homozygotes.

Submissions (4):

Labcorp Genetics (formerly Invitae), Labcorp
Classification: Uncertain significance for Long QT syndrome. Last evaluated: 2025-12-31. Review status: criteria provided, single submitter. Criteria: Invitae Variant Classification Sherloc (09022015). Collection method: clinical testing. Allele origin: germline.
Comment: This sequence change replaces arginine, which is basic and polar, with cysteine, which is neutral and slightly polar, at codon 1029 of the ANK2 protein (p.Arg1029Cys). This variant is present in population databases (rs773701459, gnomAD 0.007%). This missense change has been observed in individual(s) with ANK2-related conditions (PMID: 33057194, 35982159). ClinVar contains an entry for this variant (Variation ID: 190564). Invitae Evidence Modeling of protein sequence and biophysical properties (such as structural, functional, and spatial information, amino acid conservation, physicochemical variation, residue mobility, and thermodynamic stability) has been performed for this missense variant. However, the output from this modeling did not meet the statistical confidence thresholds required to predict the impact of this variant on ANK2 protein function. In summary, the available evidence is currently insufficient to determine the role of this variant in disease. Therefore, it has been classified as a Variant of Uncertain Significance.

Ambry Genetics
Classification: Uncertain significance for Cardiovascular phenotype. Last evaluated: 2024-02-22. Review status: criteria provided, single submitter. Criteria: Ambry Variant Classification Scheme 2023. Collection method: clinical testing. Allele origin: germline.
Comment: The p.R1029C variant (also known as c.3085C>T), located in coding exon 27 of the ANK2 gene, results from a C to T substitution at nucleotide position 3085. The arginine at codon 1029 is replaced by cysteine, an amino acid with highly dissimilar properties. This amino acid position is conserved. In addition, this alteration is predicted to be deleterious by in silico analysis. Based on the available evidence, the clinical significance of this alteration remains unclear.

Fulgent Genetics
Classification: Uncertain significance for Cardiac arrhythmia, ankyrin-B-related. Last evaluated: 2021-08-31. Review status: criteria provided, single submitter. Criteria: ACMG Guidelines, 2015. Collection method: clinical testing. Allele origin: unknown.

GeneDx
Classification: Uncertain significance. Last evaluated: 2020-06-22. Review status: criteria provided, single submitter. Criteria: GeneDx Variant Classification Process June 2021. Collection method: clinical testing. Allele origin: germline. Affected: yes.
Comment: Not observed at a significant frequency in large population cohorts (Lek et al., 2016); In silico analysis supports that this missense variant has a deleterious effect on protein structure/function; Has not been previously published as pathogenic or benign to our knowledge

Literature cited by the submitters: PubMed 33057194 (cited by Labcorp Genetics (formerly Invitae), Labcorp); PubMed 35982159 (cited by Labcorp Genetics (formerly Invitae), Labcorp).